The following is an entry in ClinVar:

NM_004260.4(RECQL4):c.1620+6C>T

Gene: RECQL4 (RecQ like helicase 4; minus strand). Cytogenetic location: 8q24.3.
Variant type: single nucleotide variant.
Coding change: c.1620+6C>T on transcript NM_004260.4 (MANE Select); 6 bases into the intron after coding-DNA position 1620, C replaced by T.
Molecular consequence: intron variant.
Genome position (GRCh38, 1-based): chr8:144,514,930, G>A on the plus strand (C>T on the coding strand, the complement: RECQL4 is on the minus strand). VCF-style: chr8-144514930-G-A. GRCh37 (hg19) VCF-style: chr8-145740314-G-A.
Identifiers: ClinVar variation 1472098 (VCV001472098.6), dbSNP rs753574521, ClinGen allele CA4948780.

ClinVar aggregate classification (germline): Uncertain significance (1 of 4 stars; one submission).

Conditions:
Baller-Gerold syndrome (BGS). Also called: CRANIOSYNOSTOSIS WITH RADIAL DEFECTS. Identifiers: Orphanet 1225, MedGen C0265308, MONDO:0009039, OMIM 218600.

Allele frequency attached by ClinVar (database versions not stated): gnomAD exomes below 0.00001; ExAC 0.00001.

Submission:

Labcorp Genetics (formerly Invitae), Labcorp
Classification: Uncertain significance for Baller-Gerold syndrome. Last evaluated: 2022-11-10. Review status: criteria provided, single submitter. Criteria: Invitae Variant Classification Sherloc (09022015). Collection method: clinical testing. Allele origin: germline.
Comment: ClinVar contains an entry for this variant (Variation ID: 1472098). This sequence change falls in intron 9 of the RECQL4 gene. It does not directly change the encoded amino acid sequence of the RECQL4 protein. It affects a nucleotide within the consensus splice site. The frequency data for this variant in the population databases is considered unreliable, as metrics indicate poor data quality at this position in the gnomAD database. This variant has not been reported in the literature in individuals affected with RECQL4-related conditions. Variants that disrupt the consensus splice site are a relatively common cause of aberrant splicing (PMID: 17576681, 9536098). Algorithms developed to predict the effect of sequence changes on RNA splicing suggest that this variant is not likely to affect RNA splicing. In summary, the available evidence is currently insufficient to determine the role of this variant in disease. Therefore, it has been classified as a Variant of Uncertain Significance.

Literature cited by the submitters: PubMed 17576681; PubMed 9536098.